The following is an entry in ClinVar:

ClinVar aggregate classification (germline): Uncertain significance. Review status: criteria provided, multiple submitters, no conflicts (2 of 4 stars). 9 submissions from 9 submitters: Uncertain significance (8). 1 of the submissions does not count toward it. Last evaluated 2026-01-16.

Conditions:
Cardiovascular phenotype. Identifiers: MedGen CN230736.
Long QT syndrome (LQTS). Identifiers: MedGen C0023976, MeSH D008133, MONDO:0002442. Disease mechanism: loss of function. Inheritance: Various modes of inheritance.
Cardiac arrhythmia, ankyrin-B-related. Also called: ANKYRIN-B SYNDROME. Identifiers: Orphanet 101016, Orphanet 768, MedGen C1970119, MONDO:0010958, OMIM 600919.

Allele frequency attached by ClinVar (database versions not stated): gnomAD 0.00005 and 0.00006; gnomAD exomes 0.00005; TOPMed 0.00008.
gnomAD v4.1: 84 of 1,563,514 alleles (0.0054%); highest among the groups gnomAD compares: Non-Finnish European, 0.0062%; no homozygotes.

Submissions (9):

Labcorp Genetics (formerly Invitae), Labcorp
Classification: Uncertain significance for Long QT syndrome. Last evaluated: 2026-01-16. Review status: criteria provided, single submitter. Criteria: Invitae Variant Classification Sherloc (09022015). Collection method: clinical testing. Allele origin: germline.
Comment: This sequence change replaces threonine, which is neutral and polar, with methionine, which is neutral and non-polar, at codon 466 of the ANK2 protein (p.Thr466Met). The frequency data for this variant in the population databases is considered unreliable, as metrics indicate poor data quality at this position in the gnomAD database. This missense change has been observed in individual(s) with ANK2-related conditions (PMID: 30847666, 33004838). ClinVar contains an entry for this variant (Variation ID: 190546). Invitae Evidence Modeling of protein sequence and biophysical properties (such as structural, functional, and spatial information, amino acid conservation, physicochemical variation, residue mobility, and thermodynamic stability) has been performed for this missense variant. However, the output from this modeling did not meet the statistical confidence thresholds required to predict the impact of this variant on ANK2 protein function. In summary, the available evidence is currently insufficient to determine the role of this variant in disease. Therefore, it has been classified as a Variant of Uncertain Significance.

Ambry Genetics
Classification: Uncertain significance for Cardiovascular phenotype. Last evaluated: 2025-11-24. Review status: criteria provided, single submitter. Criteria: Ambry Variant Classification Scheme 2023. Collection method: clinical testing. Allele origin: germline.
Comment: The p.T466M variant (also known as c.1397C>T), located in coding exon 14 of the ANK2 gene, results from a C to T substitution at nucleotide position 1397. The threonine at codon 466 is replaced by methionine, an amino acid with similar properties. According to data from gnomAD, the frequency for this variant is above the maximum credible frequency for a cardiac disease-causing variant in this gene based on internally established thresholds (Karczewski et al. Nature. 2020 May;581(7809):434-443; Whiffin et al. Genet Med. 2017 10;19:1151-1158). This amino acid position is highly conserved in available vertebrate species. In addition, this alteration is predicted to be deleterious by in silico analysis. Based on the supporting evidence, the association of this alteration with ANK2-related neurodevelopmental disorder is unknown; however, the association with ANK2-related arrhythmia is unlikely.

Molecular Diagnostic Laboratory for Inherited Cardiovascular Disease, Montreal Heart Institute
Classification: Uncertain significance for Cardiovascular phenotype. Last evaluated: 2025-04-09. Review status: criteria provided, single submitter. Criteria: ACMG Guidelines, 2015. Collection method: clinical testing. Allele origin: germline. Affected: yes.

Mayo Clinic Laboratories, Mayo Clinic
Classification: Uncertain significance. Last evaluated: 2021-10-22. Review status: criteria provided, single submitter. Criteria: ACMG Guidelines, 2015. Collection method: clinical testing. Allele origin: germline.

Fulgent Genetics
Classification: Uncertain significance for Cardiac arrhythmia, ankyrin-B-related. Last evaluated: 2021-10-19. Review status: criteria provided, single submitter. Criteria: ACMG Guidelines, 2015. Collection method: clinical testing. Allele origin: unknown.

AiLife Diagnostics
Classification: Uncertain significance. Last evaluated: 2021-07-01. Review status: criteria provided, single submitter. Criteria: ACMG Guidelines, 2015. Collection method: clinical testing. Allele origin: germline. Affected: yes. Observed: 1 variant allele.

GeneDx
Classification: Uncertain significance. Last evaluated: 2016-12-21. Review status: criteria provided, single submitter. Criteria: GeneDx Variant Classification (06012015). Collection method: clinical testing. Allele origin: germline. Affected: yes.
Comment: The T466M variant has not been published as a mutation, nor has it been reported as a benign polymorphism to our knowledge. The T466M variant was not observed in approximately 6,500 individuals of European and African American ancestry in the NHLBI Exome Sequencing Project, indicating it is not a common benign variant in these populations. Furthermore, the T466M variant is a non-conservative amino acid substitution, which is likely to impact secondary protein structure as these residues differ in polarity, charge, size and/or other properties. This substitution occurs at a position that is conserved across species and in silico analysis predicts this variant is probably damaging to the protein structure/function. However, no nearby missense mutations have been reported in the Human Gene Mutation Database, indicating this region of the protein may be tolerant to change.

Genome Diagnostics Laboratory, University Medical Center Utrecht
Classification: Uncertain significance for Cardiac arrhythmia, ankyrin-B-related. Last evaluated: 2016-08-30. Review status: criteria provided, single submitter. Criteria: ACGS Guidelines, 2013. Collection method: clinical testing. Allele origin: germline. Affected: yes. Study: VKGL Data-share Consensus.

Clinical Genetics, Academic Medical Center
Classification: Uncertain significance. Review status: no assertion criteria provided. Collection method: clinical testing. Allele origin: germline. Affected: yes. Study: VKGL Data-share Consensus. Not counted in ClinVar's aggregate classification.

Literature cited by the submitters: PubMed 30847666 (cited by Labcorp Genetics (formerly Invitae), Labcorp and AiLife Diagnostics); PubMed 33004838 (cited by Labcorp Genetics (formerly Invitae), Labcorp).

NM_001148.6(ANK2):c.1397C>T (p.Thr466Met)

Gene: ANK2 (ankyrin 2; plus strand). Cytogenetic location: 4q26.
Variant type: single nucleotide variant.
Coding change: c.1397C>T on transcript NM_001148.6 (MANE Select); coding-DNA position 1397, C replaced by T.
Protein change: p.Thr466Met; replaces threonine 466 with methionine.
Molecular consequence: missense variant.
Genome position (GRCh38, 1-based): chr4:113,264,907, C>T. VCF-style: chr4-113264907-C-T. GRCh37 (hg19) VCF-style: chr4-114186063-C-T.
Other names: p.T466M:ACG>ATG; p.Thr466Met; c.1334C>T, p.Thr445Met (NM_001127493.3, NM_001354239.2, NM_001354243.2 and 14 more transcripts); c.1397C>T, p.Thr466Met (NM_001354225.2, NM_001354228.2, NM_001354232.2 and 8 more transcripts); c.1442C>T, p.Thr481Met (NM_001354230.2, NM_001354231.2, NM_001354237.2 and 5 more transcripts); c.1310C>T, p.Thr437Met (NM_001354249.2, NM_001354260.2, NM_001354264.2 and 13 more transcripts); c.1355C>T, p.Thr452Met (NM_001354261.2, NM_001386147.1, NM_001386160.1); c.1187C>T, p.Thr396Met (NM_001354269.3); and 6 more; short protein forms T445M, T466M, T396M, T400M, T481M, T371M, T437M, T452M.
Identifiers: ClinVar variation 190546 (VCV000190546.20), dbSNP rs786205722, ClinGen allele CA300790.